The following is an entry in ClinVar:

ClinVar aggregate classification (germline): Uncertain significance (1 of 4 stars; one submission).

Conditions:
Curry-Hall syndrome (WAD). Also called: WEYERS ACRODENTAL DYSOSTOSIS. Identifiers: Orphanet 952, MedGen C0457013, MONDO:0008673, OMIM 193530.
Ellis-van Creveld syndrome (EVC). Also called: EVC-Related Ellis-van Creveld Syndrome; EVC2-Related Ellis-van Creveld Syndrome; MESOECTODERMAL DYSPLASIA; Chondroectodermal dysplasia. Identifiers: Orphanet 289, MedGen C0013903, MONDO:0009162, OMIM 225500.

gnomAD v4.1: 25 of 1,613,950 alleles (0.0015%); highest among the groups gnomAD compares: African/African-American, 0.008%; no homozygotes.

Submission:

Labcorp Genetics (formerly Invitae), Labcorp
Classification: Uncertain significance for Curry-Hall syndrome; Ellis-van Creveld syndrome. Last evaluated: 2025-06-24. Review status: criteria provided, single submitter. Criteria: Invitae Variant Classification Sherloc (09022015). Collection method: clinical testing. Allele origin: germline.
Comment: This sequence change replaces glutamic acid, which is acidic and polar, with lysine, which is basic and polar, at codon 695 of the EVC2 protein (p.Glu695Lys). This variant is present in population databases (rs773955048, gnomAD 0.008%). This variant has not been reported in the literature in individuals affected with EVC2-related conditions. An algorithm developed to predict the effect of missense changes on protein structure and function (PolyPhen-2) suggests that this variant is likely to be disruptive. In summary, the available evidence is currently insufficient to determine the role of this variant in disease. Therefore, it has been classified as a Variant of Uncertain Significance.

NM_147127.5(EVC2):c.2083G>A (p.Glu695Lys)

Gene: EVC2 (EvC ciliary complex subunit 2; minus strand). Cytogenetic location: 4p16.2.
Variant type: single nucleotide variant.
Coding change: c.2083G>A on transcript NM_147127.5 (MANE Select); coding-DNA position 2083, G replaced by A.
Protein change: p.Glu695Lys; replaces glutamic acid 695 with lysine.
Molecular consequence: missense variant.
Genome position (GRCh38, 1-based): chr4:5,622,955, C>T on the plus strand (G>A on the coding strand, the complement: EVC2 is on the minus strand). VCF-style: chr4-5622955-C-T. GRCh37 (hg19) VCF-style: chr4-5624682-C-T.
Other names: c.1843G>A, p.Glu615Lys (NM_001166136.2); short protein forms E695K, E615K.
Identifiers: ClinVar variation 4782812 (VCV004782812.1).